The following is an entry in ClinVar:

NM_004999.4(MYO6):c.2467dup (p.Thr823fs)

Gene: MYO6 (myosin VI; plus strand). Cytogenetic location: 6q14.1.
Variant type: Duplication.
Coding change: c.2467dup on transcript NM_004999.4 (MANE Select); coding-DNA position 2467, one base duplicated (A; older notation c.2467dupA).
Protein change: p.Thr823fs; shifts the reading frame from threonine 823.
Molecular consequence: frameshift variant. On other transcripts: non-coding transcript variant (1).
Genome position (GRCh38, 1-based): chr6:75,886,054, A duplicated; the last of 6 consecutive A bases (chr6:75,886,049-75,886,054); duplicating any one gives the same sequence. VCF-style (leftmost placement, unchanged base first): chr6-75886048-C-CA. GRCh37 (hg19) VCF-style: chr6-76595765-C-CA.
Other names: c.2467dup, p.Thr823fs (NM_001300899.2, NM_001368136.1, NM_001368137.1 and 2 more transcripts); c.2452dup, p.Thr818fs (NM_001368138.1); short protein forms T823fs, T818fs.
Identifiers: ClinVar variation 4772981 (VCV004772981.1).
Genomic context (GRCh38, chr6:75,886,048, plus strand): 5'-TTACTCTTACACATAGTGAAAAACAAAATAAAATATCGAGCTGAAGCCTGCATTAAAATG[C>CA]AAAAAACTATTCGAATGTGGCTTTGCAAGAGGAGACACAAACCTCGGTAAGATGAATAGT-3'

ClinVar aggregate classification (germline): Pathogenic (1 of 4 stars; one submission).

Submission:

Labcorp Genetics (formerly Invitae), Labcorp
Classification: Pathogenic. Last evaluated: 2025-09-01. Review status: criteria provided, single submitter. Criteria: Invitae Variant Classification Sherloc (09022015). Collection method: clinical testing. Allele origin: germline.
Comment: This sequence change creates a premature translational stop signal (p.Thr823Asnfs*16) in the MYO6 gene. It is expected to result in an absent or disrupted protein product. Loss-of-function variants in MYO6 are known to be pathogenic (PMID: 12687499, 18348273, 23767834, 25999546, 30582396). This variant is present in population databases (rs775005685, gnomAD 0.0009%). This variant has not been reported in the literature in individuals affected with MYO6-related conditions. For these reasons, this variant has been classified as Pathogenic.

Literature cited by the submitters: PubMed 12687499; PubMed 18348273; PubMed 23767834; PubMed 25999546; PubMed 30582396.